The following is an entry in ClinVar:

NM_014709.4(USP34):c.4229C>T (p.Ala1410Val)

Gene: USP34 (ubiquitin specific peptidase 34; minus strand). Cytogenetic location: 2p15.
Variant type: single nucleotide variant.
Coding change: c.4229C>T on transcript NM_014709.4 (MANE Select); coding-DNA position 4229, C replaced by T.
Protein change: p.Ala1410Val; replaces alanine 1410 with valine.
Molecular consequence: missense variant.
Genome position (GRCh38, 1-based): chr2:61,296,825, G>A on the plus strand (C>T on the coding strand, the complement: USP34 is on the minus strand). VCF-style: chr2-61296825-G-A. GRCh37 (hg19) VCF-style: chr2-61523960-G-A.
Other names: short protein forms A1410V.
Identifiers: ClinVar variation 3388108 (VCV003388108.14).

ClinVar aggregate classification (germline): Likely benign (1 of 4 stars; one submission).

gnomAD v4.1: 1,130 of 1,613,336 alleles (0.07%); highest among the groups gnomAD compares: Middle Eastern, 1.3%; 3 homozygotes.

Submission:

CeGaT Center for Human Genetics Tuebingen
Classification: Likely benign. Last evaluated: 2026-04-01. Review status: criteria provided, single submitter. Criteria: CeGaT Center For Human Genetics Tuebingen Variant Classification Criteria Version 2. Collection method: clinical testing. Allele origin: germline. Affected: yes. Observed: 2 variant alleles.
Comment: USP34: BS1